The following is an entry in ClinVar:

NM_020347.4(LZTFL1):c.254G>T (p.Arg85Leu)

Gene: LZTFL1 (leucine zipper transcription factor like 1; minus strand). Cytogenetic location: 3p21.31.
Variant type: single nucleotide variant.
Coding change: c.254G>T on transcript NM_020347.4 (MANE Select); coding-DNA position 254, G replaced by T.
Protein change: p.Arg85Leu; replaces arginine 85 with leucine.
Molecular consequence: missense variant. On other transcripts: non-coding transcript variant (1).
Genome position (GRCh38, 1-based): chr3:45,835,659, C>A on the plus strand (G>T on the coding strand, the complement: LZTFL1 is on the minus strand). VCF-style: chr3-45835659-C-A. GRCh37 (hg19) VCF-style: chr3-45877151-C-A.
Other names: c.203G>T, p.Arg68Leu (NM_001276378.2, NM_001386451.1, NM_001405922.1 and 4 more transcripts); c.242G>T, p.Arg81Leu (NM_001276379.2, NM_001405921.1); c.254G>T, p.Arg85Leu (NM_001386452.1, NM_001405924.1); c.278G>T, p.Arg93Leu (NM_001405920.1, NM_001405925.1); c.254G>T (NM_020347.3); short protein forms R81L, R68L, R85L, R93L.
Identifiers: ClinVar variation 1978297 (VCV001978297.5), dbSNP rs1488761832, ClinGen allele CA352453733.

ClinVar aggregate classification (germline): Uncertain significance. Review status: criteria provided, multiple submitters, no conflicts (2 of 4 stars). 3 submissions from 3 submitters: Uncertain significance (2). 1 of the submissions does not count toward it. Last evaluated 2024-05-04.

Conditions:
LZTFL1-related disorder. Also called: LZTFL1-related condition.
Bardet-Biedl syndrome 17 (BBS17). Identifiers: Orphanet 110, MedGen C3714980, MONDO:0014445, OMIM 615994.

gnomAD v4.1: 2 of 1,614,098 alleles (0.00012%); highest among the groups gnomAD compares: East Asian, 0.0022%; no homozygotes.

Submissions (3):

Fulgent Genetics
Classification: Uncertain significance for Bardet-Biedl syndrome 17. Last evaluated: 2024-05-04. Review status: criteria provided, single submitter. Criteria: ACMG Guidelines, 2015. Collection method: clinical testing. Allele origin: germline.

Labcorp Genetics (formerly Invitae), Labcorp
Classification: Uncertain significance. Last evaluated: 2022-11-22. Review status: criteria provided, single submitter. Criteria: Invitae Variant Classification Sherloc (09022015). Collection method: clinical testing. Allele origin: germline.
Comment: In summary, the available evidence is currently insufficient to determine the role of this variant in disease. Therefore, it has been classified as a Variant of Uncertain Significance. Advanced modeling of protein sequence and biophysical properties (such as structural, functional, and spatial information, amino acid conservation, physicochemical variation, residue mobility, and thermodynamic stability) performed at Invitae indicates that this missense variant is not expected to disrupt LZTFL1 protein function. This variant has not been reported in the literature in individuals affected with LZTFL1-related conditions. This variant is present in population databases (no rsID available, gnomAD 0.006%). This sequence change replaces arginine, which is basic and polar, with leucine, which is neutral and non-polar, at codon 85 of the LZTFL1 protein (p.Arg85Leu).

PreventionGenetics, part of Exact Sciences
Classification: Uncertain significance for LZTFL1-related condition. Last evaluated: 2024-05-02. Review status: no assertion criteria provided. Collection method: clinical testing. Allele origin: germline. Not counted in ClinVar's aggregate classification.
Comment: The LZTFL1 c.254G>T variant is predicted to result in the amino acid substitution p.Arg85Leu. To our knowledge, this variant has not been reported in the literature. This variant is reported in 0.0054% of alleles in individuals of East Asian descent in gnomAD. At this time, the clinical significance of this variant is uncertain due to the absence of conclusive functional and genetic evidence.